The following is an entry in ClinVar:

ClinVar aggregate classification (germline): Uncertain significance (1 of 4 stars; one submission).

Conditions:
Epidermodysplasia verruciformis. Identifiers: Orphanet 302, MedGen C0014522, MONDO:0009176.

Submission:

Labcorp Genetics (formerly Invitae), Labcorp
Classification: Uncertain significance for Epidermodysplasia verruciformis. Last evaluated: 2022-06-15. Review status: criteria provided, single submitter. Criteria: Invitae Variant Classification Sherloc (09022015). Collection method: clinical testing. Allele origin: germline.
Comment: In summary, the available evidence is currently insufficient to determine the role of this variant in disease. Therefore, it has been classified as a Variant of Uncertain Significance. Algorithms developed to predict the effect of missense changes on protein structure and function are either unavailable or do not agree on the potential impact of this missense change (SIFT: "Not Available"; PolyPhen-2: "Benign"; Align-GVGD: "Not Available"). This variant has not been reported in the literature in individuals affected with TMC6-related conditions. This variant is not present in population databases (gnomAD no frequency). This sequence change replaces alanine, which is neutral and non-polar, with valine, which is neutral and non-polar, at codon 660 of the TMC6 protein (p.Ala660Val).

NM_001127198.5(TMC6):c.1979C>T (p.Ala660Val)

Gene: TMC6 (transmembrane channel like 6; minus strand). Cytogenetic location: 17q25.3.
Variant type: single nucleotide variant.
Coding change: c.1979C>T on transcript NM_001127198.5 (MANE Select); coding-DNA position 1979, C replaced by T.
Protein change: p.Ala660Val; replaces alanine 660 with valine.
Molecular consequence: missense variant. On other transcripts: non-coding transcript variant (4).
Genome position (GRCh38, 1-based): chr17:78,117,844, G>A on the plus strand (C>T on the coding strand, the complement: TMC6 is on the minus strand). VCF-style: chr17-78117844-G-A. GRCh37 (hg19) VCF-style: chr17-76113925-G-A.
Other names: c.1979C>T, p.Ala660Val (NM_001321185.1, NM_001374596.1, NM_001375353.1 and 2 more transcripts); c.1799C>T, p.Ala600Val (NM_001374593.1, NM_001374594.1); short protein forms A660V, A600V.
Identifiers: ClinVar variation 2006957 (VCV002006957.4), dbSNP rs965073134, ClinGen allele CA401225831.
Genomic context (GRCh38, chr17:78,117,844, plus strand): 5'-TCCACCCGCCCCACTCACTGCCAGACGGCGTAGCAGAGGAAGACAGCGGCGCCCAGGAAG[G>A]CGGGGAAGCAGAGCAGCGTGAGGAAGACGGTGCTCATGTGTGAGGCCAGCCAGGGCCGGC-3'
Protein context (NP_001120670.1, residues 650-670): TVFLTLLCFP[Ala660Val]FLGAAVFLCY